The following is an entry in ClinVar:

NM_006412.4(AGPAT2):c.623_631del (p.205SSF[1])

Gene: AGPAT2 (1-acylglycerol-3-phosphate O-acyltransferase 2; minus strand). Cytogenetic location: 9q34.3.
Variant type: Deletion.
Coding change: c.623_631del on transcript NM_006412.4 (MANE Select); coding-DNA positions 623 to 631, 9 bases deleted (CCTCCTTCT; older notation c.623_631delCCTCCTTCT).
Protein change: p.205SSF[1].
Molecular consequence: inframe deletion.
Genome position (GRCh38, 1-based): chr9:136,674,765-136,674,773, AGAAGGAGG deleted on the plus strand (CCTCCTTCT on the coding strand, the reverse complement: AGPAT2 is on the minus strand); deleting any 9 consecutive bases within chr9:136,674,765-136,674,780 gives the same sequence; the c. name uses the placement nearest the transcript's 3' end. VCF-style (leftmost placement, unchanged base first): chr9-136674764-TAGAAGGAGG-T. GRCh37 (hg19) VCF-style: chr9-139569216-TAGAAGGAGG-T.
Other names: c.527_535del, p.173SSF[1] (NM_001012727.2).
Identifiers: ClinVar variation 4854819 (VCV004854819.1).

ClinVar aggregate classification (germline): Uncertain significance (1 of 4 stars; one submission).

Conditions:
Congenital generalized lipodystrophy type 1 (CGL1). Also called: Berardinelli-Seip Congenital Lipodystrophy Type 1; BRUNZELL SYNDROME, AGPAT2-RELATED. Identifiers: Orphanet 528, Orphanet 696189, MedGen C1720862, MONDO:0012071, OMIM 608594.

Submission:

3billion
Classification: Uncertain significance for Congenital generalized lipodystrophy type 1. Last evaluated: 2026-01-21. Review status: criteria provided, single submitter. Criteria: ACMG Guidelines, 2015. Collection method: clinical testing. Allele origin: germline. Affected: yes.
Comment: The variant is not observed in the gnomAD v4.1.0 dataset. Predicted Consequence/Location: Inframe deletion located in a nonrepeat region: predicted to change the length of the protein and disrupt normal protein function. Therefore, this variant is classified as VUS according to the recommendation of ACMG/AMP guideline.